The following is an entry in ClinVar:

NC_000020.10:g.(?_62073739)_(62073904_?)del

Gene: KCNQ2 (potassium voltage-gated channel subfamily Q member 2; minus strand). Cytogenetic location: 20q13.33.
Variant type: Deletion.
Identifiers: ClinVar variation 2427485 (VCV002427485.3).

ClinVar aggregate classification (germline): Pathogenic (1 of 4 stars; one submission).

Conditions:
Developmental and epileptic encephalopathy. Identifiers: MedGen C5779964, MONDO:0100620.

Submission:

Labcorp Genetics (formerly Invitae), Labcorp
Classification: Pathogenic for Early-infantile DEE. Last evaluated: 2022-03-12. Review status: criteria provided, single submitter. Criteria: Invitae Variant Classification Sherloc (09022015). Collection method: clinical testing. Allele origin: germline.
Comment: This variant is a gross deletion of the genomic region encompassing exon(s) 5 of the KCNQ2 gene. This variant would be expected to be in-frame, preserving the integrity of the reading frame. This variant has not been reported in the literature in individuals affected with KCNQ2-related conditions. This variant disrupts a region of the KCNQ2 protein in which other variant(s) (p.Leu268Phe ) have been determined to be pathogenic (PMID: 25880994, 32179837). This suggests that this is a clinically significant region of the protein, and that variants that disrupt it are likely to be disease-causing. For these reasons, this variant has been classified as Pathogenic.

Literature cited by the submitters: PubMed 25880994; PubMed 32179837.